The following is an entry in ClinVar:

NM_002292.4(LAMB2):c.1558C>T (p.Arg520Cys)

Gene: LAMB2 (laminin subunit beta 2; minus strand). Cytogenetic location: 3p21.31.
Variant type: single nucleotide variant.
Coding change: c.1558C>T on transcript NM_002292.4 (MANE Select); coding-DNA position 1558, C replaced by T.
Protein change: p.Arg520Cys; replaces arginine 520 with cysteine.
Molecular consequence: missense variant.
Genome position (GRCh38, 1-based): chr3:49,129,285, G>A on the plus strand (C>T on the coding strand, the complement: LAMB2 is on the minus strand). VCF-style: chr3-49129285-G-A. GRCh37 (hg19) VCF-style: chr3-49166718-G-A.
Other names: short protein forms R520C.
Identifiers: ClinVar variation 1351984 (VCV001351984.6), dbSNP rs36050330, ClinGen allele CA2394560.

ClinVar aggregate classification (germline): Uncertain significance. Review status: criteria provided, multiple submitters, no conflicts (2 of 4 stars). 3 submissions from 3 submitters: Uncertain significance (3). Last evaluated 2025-10-26.

Conditions:
LAMB2-related infantile-onset nephrotic syndrome. Also called: NEPHROTIC SYNDROME, TYPE 5, WITHOUT OCULAR ABNORMALITIES; NEPHROTIC SYNDROME, TYPE 5, WITH OCULAR ABNORMALITIES; Nephrotic Syndrome, type 5. Identifiers: Orphanet 306507, MedGen C3280113, MONDO:0013621, OMIM 614199.
Pierson syndrome. Also called: MICROCORIA-CONGENITAL NEPHROTIC SYNDROME. Identifiers: Orphanet 2670, MedGen C1836876, MONDO:0012184, OMIM 609049.

Allele frequency attached by ClinVar (database versions not stated): gnomAD exomes 0.00004; ExAC 0.00005; TOPMed 0.00014; ESP Exome Variant Server 0.00015; gnomAD 0.00015 and 0.00016; 1000 Genomes Project 30x 0.00016; 1000 Genomes Project 0.00020.

Submissions (3):

Labcorp Genetics (formerly Invitae), Labcorp
Classification: Uncertain significance for LAMB2-related infantile-onset nephrotic syndrome; Pierson syndrome. Last evaluated: 2025-10-26. Review status: criteria provided, single submitter. Criteria: Invitae Variant Classification Sherloc (09022015). Collection method: clinical testing. Allele origin: germline.
Comment: This sequence change replaces arginine, which is basic and polar, with cysteine, which is neutral and slightly polar, at codon 520 of the LAMB2 protein (p.Arg520Cys). This variant is present in population databases (rs36050330, gnomAD 0.05%). This variant has not been reported in the literature in individuals affected with LAMB2-related conditions. ClinVar contains an entry for this variant (Variation ID: 1351984). An algorithm developed to predict the effect of missense changes on protein structure and function (PolyPhen-2) suggests that this variant is likely to be disruptive. In summary, the available evidence is currently insufficient to determine the role of this variant in disease. Therefore, it has been classified as a Variant of Uncertain Significance.

Fulgent Genetics
Classification: Uncertain significance for Pierson syndrome; LAMB2-related infantile-onset nephrotic syndrome. Last evaluated: 2024-03-27. Review status: criteria provided, single submitter. Criteria: ACMG Guidelines, 2015. Collection method: clinical testing. Allele origin: germline.

Blueprint Genetics
Classification: Uncertain significance. Last evaluated: 2021-03-24. Review status: criteria provided, single submitter. Criteria: ACMG Guidelines, 2015. Collection method: clinical testing. Allele origin: germline.